The following is an entry in ClinVar:

ClinVar aggregate classification (germline): Uncertain significance (1 of 4 stars; one submission).

gnomAD v4.1: 1 of 1,613,722 alleles (0.000062%); highest among the groups gnomAD compares: Non-Finnish European, 0.000085%; no homozygotes.

Submission:

Ambry Genetics
Classification: Uncertain significance. Last evaluated: 2026-07-27. Review status: criteria provided, single submitter. Criteria: Ambry Variant Classification Scheme 2023. Collection method: clinical testing. Allele origin: germline.
Comment: The p.G324A variant (also known as c.971G>C), located in coding exon 7 of the ATRIP gene, results from a G to C substitution at nucleotide position 971. The glycine at codon 324 is replaced by alanine, an amino acid with similar properties. This amino acid position is conserved. In addition, this alteration is predicted to be tolerated by in silico analysis. Based on the available evidence, the clinical significance of this variant remains unclear.

NM_130384.3(ATRIP):c.971G>C (p.Gly324Ala)

Genes: ATRIP (ATR interacting protein; plus strand), ATRIP-TREX1 (ATRIP-TREX1 readthrough; plus strand). Cytogenetic location: 3p21.31.
Variant type: single nucleotide variant.
Coding change: c.971G>C on transcript NM_130384.3 (MANE Select); coding-DNA position 971, G replaced by C.
Protein change: p.Gly324Ala; replaces glycine 324 with alanine.
Molecular consequence: missense variant. On other transcripts: non-coding transcript variant (1).
Genome position (GRCh38, 1-based): chr3:48,459,832, G>C. VCF-style: chr3-48459832-G-C. GRCh37 (hg19) VCF-style: chr3-48501231-G-C.
Other names: c.590G>C, p.Gly197Ala (NM_001271022.2); c.692G>C, p.Gly231Ala (NM_001271023.2); c.971G>C, p.Gly324Ala (NM_032166.4); short protein forms G197A, G324A, G231A.
Identifiers: ClinVar variation 5032440 (VCV005032440.1).